The following is an entry in ClinVar:

ClinVar aggregate classification (germline): Uncertain significance (1 of 4 stars; one submission).

Submission:

Labcorp Genetics (formerly Invitae), Labcorp
Classification: Uncertain significance. Last evaluated: 2024-02-24. Review status: criteria provided, single submitter. Criteria: Invitae Variant Classification Sherloc (09022015). Collection method: clinical testing. Allele origin: germline.
Comment: This sequence change replaces arginine, which is basic and polar, with serine, which is neutral and polar, at codon 4361 of the ADGRV1 protein (p.Arg4361Ser). This variant is not present in population databases (gnomAD no frequency). This variant has not been reported in the literature in individuals affected with ADGRV1-related conditions. ClinVar contains an entry for this variant (Variation ID: 1349261). Algorithms developed to predict the effect of missense changes on protein structure and function output the following: SIFT: "Not Available"; PolyPhen-2: "Possibly Damaging"; Align-GVGD: "Not Available". The serine amino acid residue is found in multiple mammalian species, which suggests that this missense change does not adversely affect protein function. In summary, the available evidence is currently insufficient to determine the role of this variant in disease. Therefore, it has been classified as a Variant of Uncertain Significance.

NM_032119.4(ADGRV1):c.13083A>C (p.Arg4361Ser)

Gene: ADGRV1 (adhesion G protein-coupled receptor V1; plus strand). Cytogenetic location: 5q14.3.
Variant type: single nucleotide variant.
Coding change: c.13083A>C on transcript NM_032119.4 (MANE Select); coding-DNA position 13083, A replaced by C.
Protein change: p.Arg4361Ser; replaces arginine 4361 with serine.
Molecular consequence: missense variant. On other transcripts: non-coding transcript variant (1).
Genome position (GRCh38, 1-based): chr5:90,781,430, A>C. VCF-style: chr5-90781430-A-C. GRCh37 (hg19) VCF-style: chr5-90077247-A-C.
Other names: short protein forms R4361S.
Identifiers: ClinVar variation 1349261 (VCV001349261.8), dbSNP rs2150094117, ClinGen allele CA360391615.